The following is an entry in ClinVar:

NM_001079802.2(FKTN):c.1268A>G (p.Tyr423Cys)

Gene: FKTN (fukutin; plus strand). Cytogenetic location: 9q31.2.
Variant type: single nucleotide variant.
Coding change: c.1268A>G on transcript NM_001079802.2 (MANE Select); coding-DNA position 1268, A replaced by G.
Protein change: p.Tyr423Cys; replaces tyrosine 423 with cysteine.
Molecular consequence: missense variant. On other transcripts: 3 prime UTR variant (1), non-coding transcript variant (2).
Genome position (GRCh38, 1-based): chr9:105,635,146, A>G. VCF-style: chr9-105635146-A-G. GRCh37 (hg19) VCF-style: chr9-108397427-A-G.
Other names: c.1268A>G, p.Tyr423Cys (NM_001198963.2, NM_001351496.2, NM_006731.2); c.1199A>G, p.Tyr400Cys (NM_001351497.2); c.*60A>G (NM_001351498.2); c.872A>G, p.Tyr291Cys (NM_001351499.2, NM_001351500.2, NM_001351501.2 and 1 more transcripts); short protein forms Y291C, Y400C, Y423C.
Identifiers: ClinVar variation 1445386 (VCV001445386.7), dbSNP rs938689811, ClinGen allele CA197462018.
Genomic context (GRCh38, chr9:105,635,146, plus strand): 5'-AGTTTGTAGACATGAAGGTCCATGTACCCTGTGAAACCCTCGAATACATTGAAGCCAACT[A>G]TGGTAAGACCTGGAAGATTCCTGTAAAGACGTGGGACTGGAAGCGCTCTCCTCCCAATGT-3'
Protein context (NP_001073270.1, residues 413-433): CETLEYIEAN[Tyr423Cys]GKTWKIPVKT

ClinVar aggregate classification (germline): Uncertain significance. Review status: criteria provided, multiple submitters, no conflicts (2 of 4 stars). 2 submissions from 2 submitters: Uncertain significance (2). Last evaluated 2021-08-31.

Conditions:
Walker-Warburg congenital muscular dystrophy. Also called: Muscular dystrophy-dystroglycanopathy, type A; Walker-Warburg syndrome. Identifiers: Orphanet 899, MedGen C0265221, MONDO:0000171.
Cardiovascular phenotype. Identifiers: MedGen CN230736.

Allele frequency attached by ClinVar (database versions not stated): gnomAD exomes below 0.00001; gnomAD 0.00001; TOPMed 0.00001.
gnomAD v4.1: 4 of 1,613,958 alleles (0.00025%); highest among the groups gnomAD compares: African/African-American, 0.0013%; no homozygotes.

Submissions (2):

Labcorp Genetics (formerly Invitae), Labcorp
Classification: Uncertain significance for Walker-Warburg congenital muscular dystrophy. Last evaluated: 2021-08-31. Review status: criteria provided, single submitter. Criteria: Invitae Variant Classification Sherloc (09022015). Collection method: clinical testing. Allele origin: germline.
Comment: This sequence change replaces tyrosine with cysteine at codon 423 of the FKTN protein (p.Tyr423Cys). The tyrosine residue is highly conserved and there is a large physicochemical difference between tyrosine and cysteine. This variant is not present in population databases (ExAC no frequency). This variant has not been reported in the literature in individuals affected with FKTN-related conditions. Algorithms developed to predict the effect of missense changes on protein structure and function are either unavailable or do not agree on the potential impact of this missense change (SIFT: "Deleterious"; PolyPhen-2: "Probably Damaging"; Align-GVGD: "Class C0"). In summary, the available evidence is currently insufficient to determine the role of this variant in disease. Therefore, it has been classified as a Variant of Uncertain Significance.

Ambry Genetics
Classification: Uncertain significance for Cardiovascular phenotype. Last evaluated: 2021-06-18. Review status: criteria provided, single submitter. Criteria: Ambry Variant Classification Scheme 2023. Collection method: clinical testing. Allele origin: germline.
Comment: The p.Y423C variant (also known as c.1268A>G), located in coding exon 9 of the FKTN gene, results from an A to G substitution at nucleotide position 1268. The tyrosine at codon 423 is replaced by cysteine, an amino acid with highly dissimilar properties. This amino acid position is highly conserved in available vertebrate species. In addition, this alteration is predicted to be deleterious by in silico analysis. Since supporting evidence is limited at this time, the clinical significance of this alteration remains unclear.